The following is an entry in ClinVar:

ClinVar aggregate classification (germline): Likely benign. Review status: criteria provided, multiple submitters, no conflicts (2 of 4 stars). 3 submissions from 3 submitters: Likely benign (3). Last evaluated 2025-12-15.

Conditions:
Cardiovascular phenotype. Identifiers: MedGen CN230736.

Allele frequency attached by ClinVar (database versions not stated): TOPMed 0.00002.
gnomAD v4.1: 51 of 1,549,960 alleles (0.0033%); highest among the groups gnomAD compares: Admixed American, 0.0059%; no homozygotes.

Submissions (3):

Labcorp Genetics (formerly Invitae), Labcorp
Classification: Likely benign. Last evaluated: 2025-12-15. Review status: criteria provided, single submitter. Criteria: Invitae Variant Classification Sherloc (09022015). Collection method: clinical testing. Allele origin: germline.

Ambry Genetics
Classification: Likely benign for Cardiovascular phenotype. Last evaluated: 2020-03-16. Review status: criteria provided, single submitter. Criteria: Ambry Variant Classification Scheme 2023. Collection method: clinical testing. Allele origin: germline.

GeneDx
Classification: Likely benign. Last evaluated: 2017-02-16. Review status: criteria provided, single submitter. Criteria: GeneDx Variant Classification (06012015). Collection method: clinical testing. Allele origin: germline. Affected: yes.
Comment: This variant is considered likely benign or benign based on one or more of the following criteria: it is a conservative change, it occurs at a poorly conserved position in the protein, it is predicted to be benign by multiple in silico algorithms, and/or has population frequency not consistent with disease.

NM_001367624.2(ZNF469):c.11184C>G (p.Pro3728=)

Gene: ZNF469 (zinc finger protein 469; plus strand). Cytogenetic location: 16q24.2.
Variant type: single nucleotide variant.
Coding change: c.11184C>G on transcript NM_001367624.2 (MANE Select); coding-DNA position 11184, C replaced by G.
Protein change: p.Pro3728=; no amino-acid change (proline 3728 retained).
Molecular consequence: synonymous variant.
Genome position (GRCh38, 1-based): chr16:88,438,654, C>G. VCF-style: chr16-88438654-C-G. GRCh37 (hg19) VCF-style: chr16-88505062-C-G.
Other names: NM_001127464.1:c.11100C>G.
Identifiers: ClinVar variation 507507 (VCV000507507.9), dbSNP rs1041924878, ClinGen allele CA286387706.